The following is an entry in ClinVar:

NM_020812.4(DOCK6):c.5640C>T (p.His1880=)

Gene: DOCK6 (dedicator of cytokinesis 6; minus strand). Cytogenetic location: 19p13.2.
Variant type: single nucleotide variant.
Coding change: c.5640C>T on transcript NM_020812.4 (MANE Select); coding-DNA position 5640, C replaced by T.
Protein change: p.His1880=; no amino-acid change (histidine 1880 retained).
Molecular consequence: synonymous variant.
Genome position (GRCh38, 1-based): chr19:11,201,937, G>A on the plus strand (C>T on the coding strand, the complement: DOCK6 is on the minus strand). VCF-style: chr19-11201937-G-A. GRCh37 (hg19) VCF-style: chr19-11312613-G-A.
Other names: c.5745C>T, p.His1915= (NM_001367830.1).
Identifiers: ClinVar variation 710943 (VCV000710943.34), dbSNP rs200959822, ClinGen allele CA9206401.

ClinVar aggregate classification (germline): Likely benign. Review status: criteria provided, multiple submitters, no conflicts (2 of 4 stars). 3 submissions from 3 submitters: Likely benign (3). Last evaluated 2026-01-27.

Allele frequency attached by ClinVar (database versions not stated): 1000 Genomes Project 0.00040; 1000 Genomes Project 30x 0.00047; gnomAD exomes 0.00070; gnomAD 0.00109 and 0.00110; ESP Exome Variant Server 0.00110; ExAC 0.00117; TOPMed 0.00124.
gnomAD v4.1: 2,522 of 1,607,684 alleles (0.16%); highest among the groups gnomAD compares: Non-Finnish European, 0.19%; 6 homozygotes.

Submissions (3):

Labcorp Genetics (formerly Invitae), Labcorp
Classification: Likely benign. Last evaluated: 2026-01-27. Review status: criteria provided, single submitter. Criteria: Invitae Variant Classification Sherloc (09022015). Collection method: clinical testing. Allele origin: germline.

CeGaT Center for Human Genetics Tuebingen
Classification: Likely benign. Last evaluated: 2025-04-01. Review status: criteria provided, single submitter. Criteria: CeGaT Center For Human Genetics Tuebingen Variant Classification Criteria Version 2. Collection method: clinical testing. Allele origin: germline. Affected: yes. Observed: 3 variant alleles.
Comment: DOCK6: BP4, BP7

Blueprint Genetics
Classification: Likely benign. Last evaluated: 2024-11-13. Review status: criteria provided, single submitter. Criteria: ACMG Guidelines, 2015. Collection method: clinical testing. Allele origin: germline.